The following is an entry in ClinVar:

ClinVar aggregate classification (germline): Uncertain significance (1 of 4 stars; one submission).

Allele frequency attached by ClinVar (database versions not stated): gnomAD exomes below 0.00001.
gnomAD v4.1: 1 of 1,613,938 alleles (0.000062%); highest among the groups gnomAD compares: East Asian, 0.0022%; no homozygotes.

Submission:

Labcorp Genetics (formerly Invitae), Labcorp
Classification: Uncertain significance. Last evaluated: 2024-04-29. Review status: criteria provided, single submitter. Criteria: Invitae Variant Classification Sherloc (09022015). Collection method: clinical testing. Allele origin: germline.
Comment: This sequence change replaces asparagine, which is neutral and polar, with serine, which is neutral and polar, at codon 182 of the FH protein (p.Asn182Ser). This variant is not present in population databases (gnomAD no frequency). This variant has not been reported in the literature in individuals affected with FH-related conditions. ClinVar contains an entry for this variant (Variation ID: 570806). Advanced modeling of protein sequence and biophysical properties (such as structural, functional, and spatial information, amino acid conservation, physicochemical variation, residue mobility, and thermodynamic stability) performed at Invitae indicates that this missense variant is expected to disrupt FH protein function with a positive predictive value of 95%. In summary, the available evidence is currently insufficient to determine the role of this variant in disease. Therefore, it has been classified as a Variant of Uncertain Significance.

NM_000143.4(FH):c.545A>G (p.Asn182Ser)

Gene: FH (fumarate hydratase; minus strand). Cytogenetic location: 1q43.
Variant type: single nucleotide variant.
Coding change: c.545A>G on transcript NM_000143.4 (MANE Select); coding-DNA position 545, A replaced by G.
Protein change: p.Asn182Ser; replaces asparagine 182 with serine.
Molecular consequence: missense variant.
Genome position (GRCh38, 1-based): chr1:241,511,977, T>C on the plus strand (A>G on the coding strand, the complement: FH is on the minus strand). VCF-style: chr1-241511977-T-C. GRCh37 (hg19) VCF-style: chr1-241675277-T-C.
Other names: short protein forms N182S.
Identifiers: ClinVar variation 570806 (VCV000570806.9), dbSNP rs1558400468, ClinGen allele CA345439859.